The following is an entry in ClinVar:

NM_006019.4(TCIRG1):c.1372G>A (p.Gly458Ser)

Gene: TCIRG1 (T cell immune regulator 1, ATPase H+ transporting V0 subunit a3; plus strand). Cytogenetic location: 11q13.2.
Variant type: single nucleotide variant.
Coding change: c.1372G>A on transcript NM_006019.4 (MANE Select); coding-DNA position 1372, G replaced by A.
Protein change: p.Gly458Ser; replaces glycine 458 with serine.
Molecular consequence: missense variant.
Genome position (GRCh38, 1-based): chr11:68,047,713, G>A. VCF-style: chr11-68047713-G-A. GRCh37 (hg19) VCF-style: chr11-67815180-G-A.
Other names: c.478G>A, p.Gly160Ser (NM_001351059.2); c.724G>A, p.Gly242Ser (NM_006053.4); short protein forms G458S, G242S, G160S.
Identifiers: ClinVar variation 553699 (VCV000553699.24), dbSNP rs200851583, ClinGen allele CA6147088.

ClinVar aggregate classification (germline): Pathogenic. Review status: criteria provided, multiple submitters, no conflicts (2 of 4 stars). 7 submissions from 7 submitters: Pathogenic (6). 1 of the submissions does not count toward it. Last evaluated 2025-11-27.

Conditions:
Autosomal recessive osteopetrosis 1. Also called: TCIRG1-Related Osteopetrosis; ALBERS-SCHONBERG DISEASE, AUTOSOMAL RECESSIVE; TCIRG1-Related Autosomal Recessive Osteopetrosis. Identifiers: Orphanet 667, MedGen C1850127, MONDO:0009815, OMIM 259700.

Allele frequency attached by ClinVar (database versions not stated): gnomAD exomes below 0.00001 and 0.00001; ExAC 0.00001; gnomAD 0.00001; 1000 Genomes Project 30x 0.00016; 1000 Genomes Project 0.00020.
gnomAD v4.1: 6 of 1,613,416 alleles (0.00037%); highest among the groups gnomAD compares: African/African-American, 0.0013%; no homozygotes.

Submissions (7):

3billion
Classification: Pathogenic for Autosomal recessive osteopetrosis 1. Last evaluated: 2025-11-27. Review status: criteria provided, single submitter. Criteria: ACMG Guidelines, 2015. Collection method: clinical testing. Allele origin: germline. Affected: yes.
Comment: The variant is observed at an extremely low frequency in the gnomAD v4.1.0 dataset (total allele frequency: <0.001%). Predicted Consequence/Location: Missense variant. The majority of the known disease-causing variants of this gene are variants expected to result in premature termination of the protein. In silico tool predictions suggest damaging effect of the variant on gene or gene product [REVEL: 0.98 (>=0.6, sensitivity 0.68 and specificity 0.92); 3Cnet: 0.98 (> 0.75, sensitivity 0.96 and precision 0.92)]. The same nucleotide change resulting in the same amino acid change has been previously reported as pathogenic/likely pathogenic with strong evidence (ClinVar ID: VCV000553699 /PMID: 22231430 /3billion dataset). The variant has been reported to be in trans with a pathogenic variant as either compound heterozygous or homozygous in at least 2 similarly affected unrelated individuals (PMID: 30539151). Therefore, this variant is classified as Pathogenic according to the recommendation of ACMG/AMP guideline.

Labcorp Genetics (formerly Invitae), Labcorp
Classification: Pathogenic. Last evaluated: 2025-10-21. Review status: criteria provided, single submitter. Criteria: Invitae Variant Classification Sherloc (09022015). Collection method: clinical testing. Allele origin: germline.
Comment: This sequence change replaces glycine, which is neutral and non-polar, with serine, which is neutral and polar, at codon 458 of the TCIRG1 protein (p.Gly458Ser). This variant is present in population databases (rs200851583, gnomAD 0.003%). This missense change has been observed in individual(s) with osteopetrosis (PMID: 28604959, 30539151, 30898715). In at least one individual the data is consistent with being in trans (on the opposite chromosome) from a pathogenic variant. ClinVar contains an entry for this variant (Variation ID: 553699). Invitae Evidence Modeling of protein sequence and biophysical properties (such as structural, functional, and spatial information, amino acid conservation, physicochemical variation, residue mobility, and thermodynamic stability) indicates that this missense variant is expected to disrupt TCIRG1 protein function with a positive predictive value of 80%. Algorithms developed to predict the effect of sequence changes on RNA splicing suggest that this variant may create or strengthen a splice site. For these reasons, this variant has been classified as Pathogenic.

Natera, Inc.
Classification: Pathogenic for Infantile malignant osteopetrosis. Last evaluated: 2025-06-23. Review status: criteria provided, single submitter. Criteria: Natera Variant Classification Schema (03/2026). Collection method: clinical testing. Allele origin: germline.
Comment: The c.1372G>A variant in TCIRG1 is a missense variant predicted to cause substitution of glycine to serine at amino acid 458. This variant is rare in the general population with a frequency below the threshold expected for the associated phenotype(s). This variant has been observed in one or more individuals affected with the associated recessive disease, as either homozygous or compound heterozygous with a second variant (PMID: 30898715, 30539151, 37107657, 39011244). Computational prediction algorithms indicate this variant is likely to affect gene or protein function. Given the available evidence, this variant is classified as Pathogenic.

Baylor Genetics
Classification: Pathogenic for Autosomal recessive osteopetrosis 1. Last evaluated: 2024-02-20. Review status: criteria provided, single submitter. Criteria: ACMG Guidelines, 2015. Collection method: clinical testing. Allele origin: unknown.

Molecular Lab, Department of Haematology, Christian Medical College
Classification: Pathogenic for Autosomal recessive osteopetrosis 1. Last evaluated: 2022-05-20. Review status: criteria provided, single submitter. Criteria: ACMG Guidelines, 2015. Collection method: clinical testing. Allele origin: germline. Affected: yes. Observed: 1 variant allele.

Juno Genomics, Hangzhou Juno Genomics, Inc
Classification: Pathogenic for Autosomal recessive osteopetrosis 1. Review status: criteria provided, single submitter. Criteria: ACMG Guidelines, 2015. Collection method: clinical testing. Allele origin: germline.
Comment: Absent from controls (or at extremely low frequency if recessive) in Genome Aggregation Database.;Multiple lines of computational evidence support a deleterious effect on the gene or gene product.;For recessive disorders, detected in trans with a pathogenic variant.;Patient's phenotype or family history is highly specific for a disease with a single genetic etiology.

Counsyl
Classification: Uncertain significance for Autosomal recessive osteopetrosis 1. Last evaluated: 2017-09-07. Review status: no assertion criteria provided. Collection method: clinical testing. Allele origin: unknown. Not counted in ClinVar's aggregate classification.

Literature cited by the submitters: PubMed 30539151 (cited by 3 submitters); PubMed 22231430 (cited by 3billion and Counsyl); PubMed 28604959 (cited by Labcorp Genetics (formerly Invitae), Labcorp and Counsyl); PubMed 30898715 (cited by Labcorp Genetics (formerly Invitae), Labcorp and Natera, Inc.); PubMed 37107657 (cited by Natera, Inc.); PubMed 39011244 (cited by Natera, Inc.).